The following is an entry in ClinVar:

Conditions:
Breast-ovarian cancer, familial, susceptibility to, 1 (BROVCA1). Also called: BRCA1 Hereditary Breast and Ovarian Cancer; OVARIAN CANCER, SUSCEPTIBILITY TO. Identifiers: Orphanet 145, MedGen C2676676, MONDO:0011450, OMIM 604370. Disease mechanism: loss of function.

Submission:

Brotman Baty Institute, University of Washington
No classification provided (evidence only). Condition: Breast-ovarian cancer, familial 1. Review status: no classification provided. Collection method: in vitro. Allele origin: not applicable. Functional consequence: functionally_normal.
ClinVar note: "not provided" was previously submitted as the classification for the variant. However, the classification appeared to be based only on an observation of functional data so it was converted to no classification on 2025-07-30.

NM_007294.4(BRCA1):c.5153-17T>G

Gene: BRCA1 (BRCA1 DNA repair associated; minus strand). Cytogenetic location: 17q21.31.
Variant type: single nucleotide variant.
Coding change: c.5153-17T>G on transcript NM_007294.4 (MANE Select); 17 bases into the intron before coding-DNA position 5153, T replaced by G.
Molecular consequence: intron variant.
Genome position (GRCh38, 1-based): chr17:43,063,390, A>C on the plus strand (T>G on the coding strand, the complement: BRCA1 is on the minus strand). VCF-style: chr17-43063390-A-C. GRCh37 (hg19) VCF-style: chr17-41215407-A-C.
Other names: c.1700-17T>G (NM_001408458.1, NM_001408461.1, NM_001408464.1 and 7 more transcripts); c.4262-17T>G (NM_001407967.1); c.4772-17T>G (NM_001407959.1); c.4886-17T>G (NM_001407931.1, NM_001407932.1, NM_001407928.1 and 4 more transcripts); c.5009-17T>G (NM_001407747.1, NM_001407745.1, NM_001407737.1 and 21 more transcripts); c.4769-17T>G (NM_001407962.1, NM_001407960.1); c.1340-17T>G (NM_001408512.1); c.1463-17T>G (NM_001408510.1); and 72 more.
Identifiers: ClinVar variation 867729 (VCV000867729.3), dbSNP rs2051876657, ClinGen allele CA916080079.